The following is an entry in ClinVar:

ClinVar aggregate classification (germline): Uncertain significance. Review status: criteria provided, multiple submitters, no conflicts (2 of 4 stars). 3 submissions from 3 submitters: Uncertain significance (3). Last evaluated 2024-05-08.

Conditions:
Inborn genetic diseases. Identifiers: MedGen C0950123, MeSH D030342.
Pierson syndrome. Also called: MICROCORIA-CONGENITAL NEPHROTIC SYNDROME. Identifiers: Orphanet 2670, MedGen C1836876, MONDO:0012184, OMIM 609049.
LAMB2-related infantile-onset nephrotic syndrome. Also called: Nephrotic Syndrome, type 5; NEPHROTIC SYNDROME, TYPE 5, WITHOUT OCULAR ABNORMALITIES; NEPHROTIC SYNDROME, TYPE 5, WITH OCULAR ABNORMALITIES. Identifiers: Orphanet 306507, MedGen C3280113, MONDO:0013621, OMIM 614199.

Allele frequency attached by ClinVar (database versions not stated): ExAC 0.00001; gnomAD 0.00003; TOPMed 0.00008; 1000 Genomes Project 30x 0.00016; 1000 Genomes Project 0.00020.
gnomAD v4.1: 12 of 1,613,322 alleles (0.00074%); highest among the groups gnomAD compares: Admixed American, 0.012%; no homozygotes.

Submissions (3):

Fulgent Genetics
Classification: Uncertain significance for Pierson syndrome; LAMB2-related infantile-onset nephrotic syndrome. Last evaluated: 2024-05-08. Review status: criteria provided, single submitter. Criteria: ACMG Guidelines, 2015. Collection method: clinical testing. Allele origin: germline.

Ambry Genetics
Classification: Uncertain significance for Inborn genetic diseases. Last evaluated: 2023-11-28. Review status: criteria provided, single submitter. Criteria: Ambry Variant Classification Scheme 2023. Collection method: clinical testing. Allele origin: germline.

Labcorp Genetics (formerly Invitae), Labcorp
Classification: Uncertain significance for LAMB2-related infantile-onset nephrotic syndrome; Pierson syndrome. Last evaluated: 2022-08-19. Review status: criteria provided, single submitter. Criteria: Invitae Variant Classification Sherloc (09022015). Collection method: clinical testing. Allele origin: germline.
Comment: This sequence change replaces valine, which is neutral and non-polar, with leucine, which is neutral and non-polar, at codon 1200 of the LAMB2 protein (p.Val1200Leu). This variant is present in population databases (rs200960013, gnomAD 0.003%). This variant has not been reported in the literature in individuals affected with LAMB2-related conditions. Algorithms developed to predict the effect of missense changes on protein structure and function are either unavailable or do not agree on the potential impact of this missense change (SIFT: "Deleterious"; PolyPhen-2: "Benign"; Align-GVGD: "Class C0"). In summary, the available evidence is currently insufficient to determine the role of this variant in disease. Therefore, it has been classified as a Variant of Uncertain Significance.

NM_002292.4(LAMB2):c.3598G>C (p.Val1200Leu)

Gene: LAMB2 (laminin subunit beta 2; minus strand). Cytogenetic location: 3p21.31.
Variant type: single nucleotide variant.
Coding change: c.3598G>C on transcript NM_002292.4 (MANE Select); coding-DNA position 3598, G replaced by C.
Protein change: p.Val1200Leu; replaces valine 1200 with leucine.
Molecular consequence: missense variant.
Genome position (GRCh38, 1-based): chr3:49,123,927, C>G on the plus strand (G>C on the coding strand, the complement: LAMB2 is on the minus strand). VCF-style: chr3-49123927-C-G. GRCh37 (hg19) VCF-style: chr3-49161360-C-G.
Other names: c.3598G>C (NM_002292.3); short protein forms V1200L.
Identifiers: ClinVar variation 2040030 (VCV002040030.3), dbSNP rs200960013, ClinGen allele CA2394004.